The following is an entry in ClinVar:

NM_001142864.4(PIEZO1):c.3734C>T (p.Thr1245Ile)

Gene: PIEZO1 (piezo type mechanosensitive ion channel component 1 (Er blood group); minus strand). Cytogenetic location: 16q24.3.
Variant type: single nucleotide variant.
Coding change: c.3734C>T on transcript NM_001142864.4 (MANE Select); coding-DNA position 3734, C replaced by T.
Protein change: p.Thr1245Ile; replaces threonine 1245 with isoleucine.
Molecular consequence: missense variant.
Genome position (GRCh38, 1-based): chr16:88,726,609, G>A on the plus strand (C>T on the coding strand, the complement: PIEZO1 is on the minus strand). VCF-style: chr16-88726609-G-A. GRCh37 (hg19) VCF-style: chr16-88793017-G-A.
Other names: c.2276C>T, p.Thr759Ile (NM_014745.1); short protein forms T1245I, T759I.
Identifiers: ClinVar variation 2646999 (VCV002646999.24), dbSNP rs2507875445, ClinGen allele CA397102900.
Genomic context (GRCh38, chr16:88,726,609, plus strand): 5'-TCATAGTAGCCCTTGACGGTGCATACAAGGCTGAAGAGCTGGATGACCCAGCAGAAGCCG[G>A]TCTGCATCTGCTCCACGAAGACGCAGGCCAGGAGCTGGGGGAGAGCAGGGTCAGCGGGGC-3'
Protein context (NP_001136336.2, residues 1235-1255): LACVFVEQMQ[Thr1245Ile]GFCWVIQLFS

ClinVar aggregate classification (germline): Uncertain significance (1 of 4 stars; one submission).

gnomAD v4.1: 2 of 1,548,946 alleles (0.00013%); highest among the groups gnomAD compares: Non-Finnish European, 0.00017%; no homozygotes.

Submission:

CeGaT Center for Human Genetics Tuebingen
Classification: Uncertain significance. Last evaluated: 2022-08-01. Review status: criteria provided, single submitter. Criteria: CeGaT Center For Human Genetics Tuebingen Variant Classification Criteria Version 2. Collection method: clinical testing. Allele origin: germline. Affected: yes. Observed: 1 variant allele.
Comment: PIEZO1: PM2, BP4